The following is an entry in ClinVar:

NM_014639.4(SKIC3):c.364C>T (p.Leu122Phe)

Gene: SKIC3 (SKI3 subunit of superkiller complex; minus strand). Cytogenetic location: 5q15.
Variant type: single nucleotide variant.
Coding change: c.364C>T on transcript NM_014639.4 (MANE Select); coding-DNA position 364, C replaced by T.
Protein change: p.Leu122Phe; replaces leucine 122 with phenylalanine.
Molecular consequence: missense variant.
Genome position (GRCh38, 1-based): chr5:95,541,343, G>A on the plus strand (C>T on the coding strand, the complement: SKIC3 is on the minus strand). VCF-style: chr5-95541343-G-A. GRCh37 (hg19) VCF-style: chr5-94877047-G-A.
Other names: c.364C>T (NM_014639.3); short protein forms L122F.
Identifiers: ClinVar variation 596351 (VCV000596351.11), dbSNP rs148914952, ClinGen allele CA3347632.
Genomic context (GRCh38, chr5:95,541,343, plus strand): 5'-AGTCAGAAAATCATTCACCAACCTCTAGGTGTTTCTTTTCTTGGTAATATAGATCCACAA[G>A]TTTCTTGCAGACATCACACCACTTCTGCTTGTCAACACTTAGAACAAAACAAAACACACA-3'
Protein context (NP_055454.1, residues 112-132): KQKWCDVCKK[Leu122Phe]VDLYYQEKKH

ClinVar aggregate classification (germline): Uncertain significance. Review status: criteria provided, multiple submitters, no conflicts (2 of 4 stars). 3 submissions from 3 submitters: Uncertain significance (3). Last evaluated 2025-08-04.

Conditions:
Inborn genetic diseases. Identifiers: MedGen C0950123, MeSH D030342.

Allele frequency attached by ClinVar (database versions not stated): gnomAD exomes 0.00001 and 0.00004; ExAC 0.00006; ESP Exome Variant Server 0.00008; gnomAD 0.00019 and 0.00020; TOPMed 0.00023; 1000 Genomes Project 0.00040; 1000 Genomes Project 30x 0.00062.
gnomAD v4.1: 52 of 1,613,564 alleles (0.0032%); highest among the groups gnomAD compares: African/African-American, 0.052%; no homozygotes.

Submissions (3):

Ambry Genetics
Classification: Uncertain significance for Inborn genetic diseases. Last evaluated: 2025-08-04. Review status: criteria provided, single submitter. Criteria: Ambry Variant Classification Scheme 2023. Collection method: clinical testing. Allele origin: germline.

Labcorp Genetics (formerly Invitae), Labcorp
Classification: Uncertain significance. Last evaluated: 2021-08-27. Review status: criteria provided, single submitter. Criteria: Invitae Variant Classification Sherloc (09022015). Collection method: clinical testing. Allele origin: germline.
Comment: This sequence change replaces leucine with phenylalanine at codon 122 of the TTC37 protein (p.Leu122Phe). The leucine residue is moderately conserved and there is a small physicochemical difference between leucine and phenylalanine. This variant is present in population databases (rs148914952, ExAC 0.03%). This variant has not been reported in the literature in individuals affected with TTC37-related conditions. ClinVar contains an entry for this variant (Variation ID: 596351). Algorithms developed to predict the effect of missense changes on protein structure and function are either unavailable or do not agree on the potential impact of this missense change (SIFT: "Deleterious"; PolyPhen-2: "Possibly Damaging"; Align-GVGD: "Class C0"). In summary, the available evidence is currently insufficient to determine the role of this variant in disease. Therefore, it has been classified as a Variant of Uncertain Significance.

Eurofins Ntd Llc (ga)
Classification: Uncertain significance. Last evaluated: 2018-03-21. Review status: criteria provided, single submitter. Criteria: EGL ClinVar v180209 classification definitions. Collection method: clinical testing. Allele origin: germline. Observed: 1 variant allele, 1 heterozygote.